The following is an entry in ClinVar:

ClinVar aggregate classification (germline): Uncertain significance (1 of 4 stars; one submission).

Allele frequency attached by ClinVar (database versions not stated): gnomAD exomes below 0.00001; TOPMed below 0.00001.
gnomAD v4.1: 1 of 1,605,404 alleles (0.000062%); highest among the groups gnomAD compares: Non-Finnish European, 0.000085%; no homozygotes.

Submission:

Labcorp Genetics (formerly Invitae), Labcorp
Classification: Uncertain significance. Last evaluated: 2022-09-01. Review status: criteria provided, single submitter. Criteria: Invitae Variant Classification Sherloc (09022015). Collection method: clinical testing. Allele origin: germline.
Comment: In summary, the available evidence is currently insufficient to determine the role of this variant in disease. Therefore, it has been classified as a Variant of Uncertain Significance. Algorithms developed to predict the effect of missense changes on protein structure and function are either unavailable or do not agree on the potential impact of this missense change (SIFT: "Deleterious"; PolyPhen-2: "Benign"; Align-GVGD: "Class C0"). ClinVar contains an entry for this variant (Variation ID: 1479524). This variant has not been reported in the literature in individuals affected with POLR3A-related conditions. This variant is not present in population databases (gnomAD no frequency). This sequence change replaces histidine, which is basic and polar, with tyrosine, which is neutral and polar, at codon 762 of the POLR3A protein (p.His762Tyr).

NM_007055.4(POLR3A):c.2284C>T (p.His762Tyr)

Gene: POLR3A (RNA polymerase III subunit A; minus strand). Cytogenetic location: 10q22.3.
Variant type: single nucleotide variant.
Coding change: c.2284C>T on transcript NM_007055.4 (MANE Select); coding-DNA position 2284, C replaced by T.
Protein change: p.His762Tyr; replaces histidine 762 with tyrosine.
Molecular consequence: missense variant.
Genome position (GRCh38, 1-based): chr10:78,002,272, G>A on the plus strand (C>T on the coding strand, the complement: POLR3A is on the minus strand). VCF-style: chr10-78002272-G-A. GRCh37 (hg19) VCF-style: chr10-79762030-G-A.
Other names: short protein forms H762Y.
Identifiers: ClinVar variation 1479524 (VCV001479524.6), dbSNP rs1847364984, ClinGen allele CA377337185.